The following is an entry in ClinVar:

NM_000478.6(ALPL):c.88C>G (p.Arg30Gly)

Gene: ALPL (alkaline phosphatase, biomineralization associated; plus strand). Cytogenetic location: 1p36.12.
Variant type: single nucleotide variant.
Coding change: c.88C>G on transcript NM_000478.6 (MANE Select); coding-DNA position 88, C replaced by G.
Protein change: p.Arg30Gly; replaces arginine 30 with glycine.
Molecular consequence: missense variant. On other transcripts: 5 prime UTR variant (2).
Genome position (GRCh38, 1-based): chr1:21,560,652, C>G. VCF-style: chr1-21560652-C-G. GRCh37 (hg19) VCF-style: chr1-21887145-C-G.
Other names: c.-78C>G (NM_001127501.4); c.-28C>G (NM_001177520.3); c.88C>G, p.Arg30Gly (NM_001369803.2, NM_001369804.2, NM_001369805.2); short protein forms R30G.
Identifiers: ClinVar variation 1307053 (VCV001307053.3), dbSNP rs1057516334, ClinGen allele CA338877486.

ClinVar aggregate classification (germline): Uncertain significance. Review status: criteria provided, multiple submitters, no conflicts (2 of 4 stars). 2 submissions from 2 submitters: Uncertain significance (2). Last evaluated 2025-08-29.

Conditions:
Hypophosphatasia. Also called: Phosphoethanol-aminuria. Identifiers: Orphanet 436, MedGen C0020630, MeSH D007014, MONDO:0018570.

Submissions (2):

Genomenon, Inc
Classification: Uncertain significance for Hypophosphatasia. Last evaluated: 2025-08-29. Review status: criteria provided, single submitter. Criteria: Genomenon Sequence Variant Interpretation Standards. Collection method: curation. Allele origin: germline. Affected: no.
Comment: ALPL c.88C>G is a missense variant that changes the amino acid at residue 30 from Arginine to Glycine. This variant has not been reported in patients affected with hypophosphatasia in the published literature. It is absent or not present at a significant frequency in gnomAD. In silico models agree that this variant is possibly or probably damaging. In conclusion, we classify ALPL p.Arg30Gly (c.88C>G) as a variant of unknown significance.

GeneDx
Classification: Uncertain significance. Last evaluated: 2019-07-09. Review status: criteria provided, single submitter. Criteria: GeneDx Variant Classification Process June 2021. Collection method: clinical testing. Allele origin: germline. Affected: yes.
Comment: Not observed in large population cohorts (Lek et al., 2016); In silico analysis, which includes protein predictors and evolutionary conservation, supports that this variant does not alter protein structure/function; Has not been previously published as pathogenic or benign to our knowledge